The following is an entry in ClinVar:

ClinVar aggregate classification (germline): Pathogenic. Review status: reviewed by expert panel (3 of 4 stars). 2 submissions from 2 submitters: Pathogenic (1). 1 of the submissions does not count toward it. Last evaluated 2016-10-18.

Conditions:
Breast-ovarian cancer, familial, susceptibility to, 2 (BROVCA2). Also called: BRCA2 Hereditary Breast and Ovarian Cancer. Identifiers: Orphanet 145, MedGen C2675520, MONDO:0012933, OMIM 612555. Disease mechanism: loss of function.

Submissions (2):

Evidence-based Network for the Interpretation of Germline Mutant Alleles (ENIGMA)
Classification: Pathogenic for Breast-ovarian cancer, familial, susceptibility to, 2. Last evaluated: 2016-10-18. Review status: reviewed by expert panel. Criteria: ENIGMA BRCA1/2 Classification Criteria (2015). Collection method: curation. Allele origin: germline.
Comment: Variant allele predicted to encode a truncated non-functional protein.

Consortium of Investigators of Modifiers of BRCA1/2 (CIMBA), c/o University of Cambridge
Classification: Pathogenic for Breast-ovarian cancer, familial, susceptibility to, 2. Last evaluated: 2015-10-02. Review status: criteria provided, single submitter. Criteria: CIMBA Mutation Classification guidelines May 2016. Collection method: clinical testing. Allele origin: germline. Not counted in ClinVar's aggregate classification.

NM_000059.4(BRCA2):c.103dup (p.Leu35fs)

Gene: BRCA2 (BRCA2 DNA repair associated; plus strand). Cytogenetic location: 13q13.1.
Variant type: Duplication.
Coding change: c.103dup on transcript NM_000059.4 (MANE Select); coding-DNA position 103, one base duplicated (C; older notation c.103dupC).
Protein change: p.Leu35fs; shifts the reading frame from leucine 35.
Molecular consequence: frameshift variant.
Genome position (GRCh38, 1-based): chr13:32,319,112, C duplicated. VCF-style (leftmost placement, unchanged base first): chr13-32319111-A-AC. GRCh37 (hg19) VCF-style: chr13-32893248-A-AC.
Other names: 330insC; short protein forms L35fs.
Identifiers: ClinVar variation 266602 (VCV000266602.5), dbSNP rs886040340, ClinGen allele CA10589006.
Genomic context (GRCh38, chr13:32,319,111, plus strand): 5'-TAAGGTGGGATTTTTTTTTTAAATAGATTTAGGACCAATAAGTCTTAATTGGTTTGAAGA[A>AC]CTTTCTTCAGAAGCTCCACCCTATAATTCTGAACCTGCAGAAGAATCTGAACATAAAAAC-3'